The following is an entry in ClinVar:

ClinVar aggregate classification (germline): Benign (0 of 4 stars; one submission).

Conditions:
DMBT1-related disorder. Also called: DMBT1-related condition.

Allele frequency attached by ClinVar (database versions not stated): 1000 Genomes Project 0.00419; 1000 Genomes Project 30x 0.00484; TOPMed 0.01050; gnomAD 0.01134; ESP Exome Variant Server 0.01270; ExAC 0.01387.
gnomAD v4.1: 27,213 of 1,587,822 alleles (1.7%); highest among the groups gnomAD compares: Non-Finnish European, 2.1%; 287 homozygotes.

Submission:

PreventionGenetics, part of Exact Sciences
Classification: Benign for DMBT1-related condition. Last evaluated: 2019-06-25. Review status: no assertion criteria provided. Collection method: clinical testing. Allele origin: germline.
Comment: This variant is classified as benign based on ACMG/AMP sequence variant interpretation guidelines (Richards et al. 2015 PMID: 25741868, with internal and published modifications).

NM_001377530.1(DMBT1):c.6026-9G>C

Gene: DMBT1 (deleted in malignant brain tumors 1; plus strand). Cytogenetic location: 10q26.13.
Variant type: single nucleotide variant.
Coding change: c.6026-9G>C on transcript NM_001377530.1 (MANE Select); 9 bases into the intron before coding-DNA position 6026, G replaced by C.
Molecular consequence: intron variant.
Genome position (GRCh38, 1-based): chr10:122,630,952, G>C. VCF-style: chr10-122630952-G-C. GRCh37 (hg19) VCF-style: chr10-124390468-G-C.
Other names: c.5639-9G>C (NM_007329.3, NM_001320644.2); c.3755-9G>C (NM_004406.3); c.5609-9G>C (NM_017579.3).
Identifiers: ClinVar variation 3037696 (VCV003037696.2), dbSNP rs78618280, ClinGen allele CA5728129.
Genomic context (GRCh38, chr10:122,630,952, plus strand): 5'-CTTTGAGGTTTGTTGTGGGACATTTGTTGTGGGACATGGCCATGATCTCTCAGTTAATGT[G>C]TCTTTCAGATGCCACCTTGAGGTTGGTCAATTTAAATTCATCCTATGGTCTATGTGCCGG-3'